The following is an entry in ClinVar:

NM_001366145.2(TRPM3):c.5044_5045delinsGA (p.Arg1682Glu)

Genes: KLF9-DT (KLF9 divergent transcript; plus strand), TRPM3 (transient receptor potential cation channel subfamily M member 3; minus strand). Cytogenetic location: 9q21.12.
Variant type: Indel.
Coding change: c.5044_5045delinsGA on transcript NM_001366145.2 (MANE Select); coding-DNA positions 5044 to 5045, CG replaced by GA.
Protein change: p.Arg1682Glu; replaces arginine 1682 with glutamic acid.
Molecular consequence: missense variant. On other transcripts: intron variant (8).
Genome position (GRCh38, 1-based): chr9:70,536,068-70,536,069, CG replaced by TC on the plus strand (CG replaced by GA on the coding strand, the reverse complement: TRPM3 is on the minus strand). VCF-style: chr9-70536068-CG-TC. GRCh37 (hg19) VCF-style: chr9-73150984-CG-TC.
Other names: c.5008_5009delinsGA, p.Arg1670Glu (NM_001007471.4); c.5014_5015delinsGA, p.Arg1672Glu (NM_001366141.2, NM_001366149.2); c.5119_5120delinsGA, p.Arg1707Glu (NM_001366147.2); c.4549_4550delinsGA, p.Arg1517Glu (NM_020952.6); c.4585_4586delinsGA, p.Arg1529Glu (NM_024971.7); c.4519_4520delinsGA, p.Arg1507Glu (NM_206944.5); c.4555_4556delinsGA, p.Arg1519Glu (NM_206945.5); c.4624_4625delinsGA, p.Arg1542Glu (NM_206946.5); and 9 more; short protein forms R1507E, R1517E, R1519E, R1529E, R1532E, R1542E, R1670E, R1672E.
Identifiers: ClinVar variation 3371817 (VCV003371817.1).

ClinVar aggregate classification (germline): Uncertain significance (1 of 4 stars; one submission).

Submission:

GeneDx
Classification: Uncertain significance. Last evaluated: 2024-03-28. Review status: criteria provided, single submitter. Criteria: GeneDx Variant Classification Process June 2021. Collection method: clinical testing. Allele origin: germline. Affected: yes.
Comment: Not observed at significant frequency in large population cohorts (gnomAD); In silico analysis supports a deleterious effect on protein structure/function; Has not been previously published as pathogenic or benign to our knowledge